The following is an entry in ClinVar:

ClinVar aggregate classification (germline): Uncertain significance. Review status: criteria provided, multiple submitters, no conflicts (2 of 4 stars). 2 submissions from 2 submitters: Uncertain significance (2). Last evaluated 2025-07-29.

Conditions:
Hereditary cancer-predisposing syndrome. Also called: Hereditary Cancer Syndrome; Tumor predisposition; Hereditary neoplastic syndrome; Neoplastic Syndromes, Hereditary. Identifiers: Orphanet 140162, MedGen C0027672, MeSH D009386, MONDO:0015356.

Submissions (2):

Ambry Genetics
Classification: Uncertain significance for Hereditary cancer-predisposing syndrome. Last evaluated: 2025-07-29. Review status: criteria provided, single submitter. Criteria: Ambry Variant Classification Scheme 2023. Collection method: clinical testing. Allele origin: germline.
Comment: The c.815G>C variant (also known as p.R272T), located in coding exon 5 of the NTHL1 gene, results from a G to C substitution at nucleotide position 815. The amino acid change results in arginine to threonine at codon 272, an amino acid with similar properties. However, this change occurs in the last base pair of coding exon 5, which makes it likely to have some effect on normal mRNA splicing. This nucleotide position is highly conserved in available vertebrate species. This amino acid position is highly conserved in available vertebrate species. In silico splice site analysis predicts that this alteration will weaken the native splice donor site and will result in the creation or strengthening of a novel splice donor site. In addition, as a missense substitution this is predicted to be inconclusive by in silico analysis. Based on the available evidence, the clinical significance of this variant remains unclear.

Labcorp Genetics (formerly Invitae), Labcorp
Classification: Uncertain significance. Last evaluated: 2022-09-21. Review status: criteria provided, single submitter. Criteria: Invitae Variant Classification Sherloc (09022015). Collection method: clinical testing. Allele origin: germline.
Comment: In summary, the available evidence is currently insufficient to determine the role of this variant in disease. Therefore, it has been classified as a Variant of Uncertain Significance. Variants that disrupt the consensus splice site are a relatively common cause of aberrant splicing (PMID: 17576681, 9536098). Algorithms developed to predict the effect of sequence changes on RNA splicing suggest that this variant may disrupt the consensus splice site. Algorithms developed to predict the effect of missense changes on protein structure and function are either unavailable or do not agree on the potential impact of this missense change (SIFT: "Not Available"; PolyPhen-2: "Possibly Damaging"; Align-GVGD: "Not Available"). ClinVar contains an entry for this variant (Variation ID: 1409459). This variant has not been reported in the literature in individuals affected with NTHL1-related conditions. This variant is not present in population databases (gnomAD no frequency). This sequence change replaces arginine, which is basic and polar, with threonine, which is neutral and polar, at codon 272 of the NTHL1 protein (p.Arg272Thr). This variant also falls at the last nucleotide of exon 5, which is part of the consensus splice site for this exon.

Literature cited by the submitters: PubMed 17576681 (cited by Labcorp Genetics (formerly Invitae), Labcorp); PubMed 9536098 (cited by Labcorp Genetics (formerly Invitae), Labcorp).

NM_002528.7(NTHL1):c.791G>C (p.Arg264Thr)

Gene: NTHL1 (nth like DNA glycosylase 1; minus strand). Cytogenetic location: 16p13.3.
Variant type: single nucleotide variant.
Coding change: c.791G>C on transcript NM_002528.7 (MANE Select); coding-DNA position 791, G replaced by C.
Protein change: p.Arg264Thr; replaces arginine 264 with threonine.
Molecular consequence: missense variant.
Genome position (GRCh38, 1-based): chr16:2,040,133, C>G on the plus strand (G>C on the coding strand, the complement: NTHL1 is on the minus strand). VCF-style: chr16-2040133-C-G. GRCh37 (hg19) VCF-style: chr16-2090134-C-G.
Other names: c.620G>C, p.Arg207Thr (NM_001318193.2); c.461G>C, p.Arg154Thr (NM_001318194.2); c.815G>C (NM_002528.5); short protein forms R154T, R207T, R264T.
Identifiers: ClinVar variation 1409459 (VCV001409459.9), dbSNP rs2150938174, ClinGen allele CA394288588.
Genomic context (GRCh38, chr16:2,040,133, plus strand): 5'-GCTGACAGAGGGCGGGCGGGGTGAGCTCTTCTCCCTAGGAAGCCCCCCACATACTCATAC[C>G]TAGGCAGCCACTCCTCCAGGGCGGCGCGGGTCTCCTCTGGGGACTTGGTTGCCTTCTTGG-3'
Protein context (NP_002519.2, residues 254-274): TRAALEEWLP[Arg264Thr]ELWHEINGLL